The following is an entry in ClinVar:

NM_000059.4(BRCA2):c.8514A>G (p.Leu2838=)

Gene: BRCA2 (BRCA2 DNA repair associated; plus strand). Cytogenetic location: 13q13.1.
Variant type: single nucleotide variant.
Coding change: c.8514A>G on transcript NM_000059.4 (MANE Select); coding-DNA position 8514, A replaced by G.
Protein change: p.Leu2838=; no amino-acid change (leucine 2838 retained).
Molecular consequence: synonymous variant.
Genome position (GRCh38, 1-based): chr13:32,370,982, A>G. VCF-style: chr13-32370982-A-G. GRCh37 (hg19) VCF-style: chr13-32945119-A-G.
Identifiers: ClinVar variation 230261 (VCV000230261.20), dbSNP rs544212043, ClinGen allele CA6941255.

ClinVar aggregate classification (germline): Likely benign. Review status: reviewed by expert panel (3 of 4 stars). 6 submissions from 6 submitters: Likely benign (1). 5 of the submissions do not count toward it. Last evaluated 2017-06-29.

Conditions:
Hereditary cancer-predisposing syndrome. Also called: Hereditary Cancer Syndrome; Neoplastic Syndromes, Hereditary; Tumor predisposition; Hereditary neoplastic syndrome. Identifiers: Orphanet 140162, MedGen C0027672, MeSH D009386, MONDO:0015356.
Breast-ovarian cancer, familial, susceptibility to, 2 (BROVCA2). Also called: BRCA2 Hereditary Breast and Ovarian Cancer. Identifiers: Orphanet 145, MedGen C2675520, MONDO:0012933, OMIM 612555. Disease mechanism: loss of function.
Hereditary breast ovarian cancer syndrome. Also called: Hereditary breast and/or ovarian cancer syndrome; BRCA1- and BRCA2-Associated Hereditary Breast and Ovarian Cancer; Hereditary breast and ovarian cancer syndrome (HBOC); Hereditary breast and ovarian cancer; Hereditary breast and ovarian cancer syndrome; Breast and ovarian cancer. Identifiers: Orphanet 145, MedGen C0677776, MeSH D061325, MONDO:0003582. Disease mechanism: loss of function.

Allele frequency attached by ClinVar (database versions not stated): gnomAD 0.00001; gnomAD exomes 0.00001 and 0.00004; TOPMed 0.00001; ExAC 0.00005; 1000 Genomes Project 30x 0.00016; 1000 Genomes Project 0.00020.
gnomAD v4.1: 23 of 1,614,154 alleles (0.0014%); highest among the groups gnomAD compares: South Asian, 0.024%; no homozygotes.

Submissions (6):

Evidence-based Network for the Interpretation of Germline Mutant Alleles (ENIGMA)
Classification: Likely benign for Breast-ovarian cancer, familial, susceptibility to, 2. Last evaluated: 2017-06-29. Review status: reviewed by expert panel. Criteria: ENIGMA BRCA1/2 Classification Criteria (2017-06-29). Collection method: curation. Allele origin: germline.
Comment: Synonymous substitution variant, with low bioinformatic likelihood to result in a splicing aberration (Splicing prior probability 0.02).

Labcorp Genetics (formerly Invitae), Labcorp
Classification: Likely benign for Hereditary breast ovarian cancer syndrome. Last evaluated: 2025-11-06. Review status: criteria provided, single submitter. Criteria: Invitae Variant Classification Sherloc (09022015). Collection method: clinical testing. Allele origin: germline. Not counted in ClinVar's aggregate classification.

Color Diagnostics, LLC DBA Color Health
Classification: Likely benign for Hereditary cancer-predisposing syndrome. Last evaluated: 2025-08-25. Review status: criteria provided, single submitter. Criteria: ACMG Guidelines, 2015. Collection method: clinical testing. Allele origin: germline. Not counted in ClinVar's aggregate classification.

Sema4
Classification: Likely benign for Hereditary cancer-predisposing syndrome. Last evaluated: 2021-08-03. Review status: criteria provided, single submitter. Criteria: Sema4 Curation Guidelines. Collection method: curation. Allele origin: germline. Not counted in ClinVar's aggregate classification.

GeneDx
Classification: Likely benign. Last evaluated: 2019-04-12. Review status: criteria provided, single submitter. Criteria: GeneDx Variant Classification Process June 2021. Collection method: clinical testing. Allele origin: germline. Affected: yes. Not counted in ClinVar's aggregate classification.

Ambry Genetics
Classification: Likely benign for Hereditary cancer-predisposing syndrome. Last evaluated: 2015-02-03. Review status: criteria provided, single submitter. Criteria: Ambry Variant Classification Scheme 2023. Collection method: clinical testing. Allele origin: germline. Not counted in ClinVar's aggregate classification.